The following is an entry in ClinVar:

ClinVar aggregate classification (germline): Conflicting classifications of pathogenicity. Review status: criteria provided, conflicting classifications (1 of 4 stars). 4 submissions from 4 submitters: Uncertain significance (3); Likely benign (1). Last evaluated 2024-09-20.

Conditions:
Inborn genetic diseases. Identifiers: MedGen C0950123, MeSH D030342.
Spondylocarpotarsal synostosis syndrome (SCT). Also called: Spondylocarpotarsal Synostosis Syndrome (FLNB-SCT); SPONDYLOCARPOTARSAL SYNDROME; VERTEBRAL FUSION WITH CARPAL COALITION; Synspondylism congenital; Scoliosis, congenital with unilateral unsegmented bar. Identifiers: Orphanet 3275, MedGen C1848934, MONDO:0010094, OMIM 272460.

Allele frequency attached by ClinVar (database versions not stated): TOPMed below 0.00001; ExAC 0.00001; gnomAD 0.00001; gnomAD exomes 0.00001.
gnomAD v4.1: 9 of 1,614,110 alleles (0.00056%); highest among the groups gnomAD compares: South Asian, 0.0077%; no homozygotes.

Submissions (4):

3billion
Classification: Likely benign for Spondylocarpotarsal synostosis syndrome. Last evaluated: 2024-09-20. Review status: criteria provided, single submitter. Criteria: ACMG Guidelines, 2015. Collection method: clinical testing. Allele origin: germline. Affected: no.
Comment: The homozygous variant was found in patients with no symptoms related to the gene containing the homozygous variant.

Labcorp Genetics (formerly Invitae), Labcorp
Classification: Uncertain significance. Last evaluated: 2024-07-31. Review status: criteria provided, single submitter. Criteria: Invitae Variant Classification Sherloc (09022015). Collection method: clinical testing. Allele origin: germline.
Comment: This sequence change replaces histidine, which is basic and polar, with arginine, which is basic and polar, at codon 560 of the FLNB protein (p.His560Arg). This variant is present in population databases (rs749965480, gnomAD 0.006%). This variant has not been reported in the literature in individuals affected with FLNB-related conditions. ClinVar contains an entry for this variant (Variation ID: 392383). Advanced modeling of protein sequence and biophysical properties (such as structural, functional, and spatial information, amino acid conservation, physicochemical variation, residue mobility, and thermodynamic stability) performed at Invitae indicates that this missense variant is not expected to disrupt FLNB protein function with a negative predictive value of 95%. In summary, the available evidence is currently insufficient to determine the role of this variant in disease. Therefore, it has been classified as a Variant of Uncertain Significance.

Ambry Genetics
Classification: Uncertain significance for Inborn genetic diseases. Last evaluated: 2022-12-01. Review status: criteria provided, single submitter. Criteria: Ambry Variant Classification Scheme 2023. Collection method: clinical testing. Allele origin: germline.

GeneDx
Classification: Uncertain significance. Last evaluated: 2016-12-27. Review status: criteria provided, single submitter. Criteria: GeneDx Variant Classification (06012015). Collection method: clinical testing. Allele origin: germline. Affected: yes.
Comment: The H560R variant has not been published as a pathogenic variant, nor has it been reported as a benign variant to our knowledge. The H560R variant was not observed in approximately 6500 individuals of European and African American ancestry in the NHLBI Exome Sequencing Project, indicating it is not a common benign variant in these populations. The H560R variant is a conservative amino acid substitution, which is not likely to impact secondary protein structure as these residues share similar properties. This substitution occurs at a position that is conserved across species. In silico analysis predicts this variant is inconsistent in its predictions as to whether or not the variant is damaging to the protein structure/ function. Therefore, based on the currently available information, it is unclear whether this variant is a pathogenic variant or a rare benign variant.

NM_001457.4(FLNB):c.1679A>G (p.His560Arg)

Gene: FLNB (filamin B; plus strand). Cytogenetic location: 3p14.3.
Variant type: single nucleotide variant.
Coding change: c.1679A>G on transcript NM_001457.4 (MANE Select); coding-DNA position 1679, A replaced by G.
Protein change: p.His560Arg; replaces histidine 560 with arginine.
Molecular consequence: missense variant.
Genome position (GRCh38, 1-based): chr3:58,105,148, A>G. VCF-style: chr3-58105148-A-G. GRCh37 (hg19) VCF-style: chr3-58090875-A-G.
Other names: c.1679A>G, p.His560Arg (NM_001164317.2, NM_001164318.2, NM_001164319.2); short protein forms H560R.
Identifiers: ClinVar variation 392383 (VCV000392383.7), dbSNP rs749965480, ClinGen allele CA2467895.